The following is an entry in ClinVar:

NM_001277115.2(DNAH11):c.8382G>A (p.Lys2794=)

Gene: DNAH11 (dynein axonemal heavy chain 11; plus strand). Cytogenetic location: 7p15.3.
Variant type: single nucleotide variant.
Coding change: c.8382G>A on transcript NM_001277115.2 (MANE Select); coding-DNA position 8382, G replaced by A.
Protein change: p.Lys2794=; no amino-acid change (lysine 2794 retained).
Molecular consequence: synonymous variant.
Genome position (GRCh38, 1-based): chr7:21,744,935, G>A. VCF-style: chr7-21744935-G-A. GRCh37 (hg19) VCF-style: chr7-21784553-G-A.
Identifiers: ClinVar variation 695186 (VCV000695186.11), dbSNP rs200214408, ClinGen allele CA4181585.

ClinVar aggregate classification (germline): Likely benign. Review status: criteria provided, multiple submitters, no conflicts (2 of 4 stars). 3 submissions from 3 submitters: Likely benign (3). Last evaluated 2026-01-11.

Conditions:
DNAH11-related disorder. Also called: DNAH11-related condition.
Primary ciliary dyskinesia. Also called: Ciliary dyskinesia. Identifiers: Orphanet 244, MedGen C0008780, MONDO:0016575, HP:0012265.

Allele frequency attached by ClinVar (database versions not stated): gnomAD exomes 0.00009 and 0.00015; TOPMed 0.00009; gnomAD 0.00011; ESP Exome Variant Server 0.00024; ExAC 0.00029.
gnomAD v4.1: 148 of 1,610,676 alleles (0.0092%); highest among the groups gnomAD compares: Non-Finnish European, 0.012%; no homozygotes.

Submissions (3):

Labcorp Genetics (formerly Invitae), Labcorp
Classification: Likely benign for Primary ciliary dyskinesia. Last evaluated: 2026-01-11. Review status: criteria provided, single submitter. Criteria: Invitae Variant Classification Sherloc (09022015). Collection method: clinical testing. Allele origin: germline.

PreventionGenetics, part of Exact Sciences
Classification: Likely benign for DNAH11-related condition. Last evaluated: 2025-09-30. Review status: criteria provided, single submitter. Criteria: ACMG Guidelines, 2015. Collection method: clinical testing. Allele origin: germline.
Comment: This variant is classified as likely benign based on ACMG/AMP sequence variant interpretation guidelines (Richards et al. 2015 PMID: 25741868, with internal and published modifications).

Ambry Genetics
Classification: Likely benign for Primary ciliary dyskinesia. Last evaluated: 2023-03-03. Review status: criteria provided, single submitter. Criteria: Ambry Variant Classification Scheme 2023. Collection method: clinical testing. Allele origin: germline.